The following is an entry in ClinVar:

ClinVar aggregate classification (germline): Uncertain significance (1 of 4 stars; one submission).

gnomAD v4.1: 8 of 1,614,236 alleles (0.0005%); highest among the groups gnomAD compares: South Asian, 0.0011%; no homozygotes.

Submission:

Labcorp Genetics (formerly Invitae), Labcorp
Classification: Uncertain significance. Last evaluated: 2024-12-18. Review status: criteria provided, single submitter. Criteria: Invitae Variant Classification Sherloc (09022015). Collection method: clinical testing. Allele origin: germline.
Comment: This sequence change replaces glutamic acid, which is acidic and polar, with lysine, which is basic and polar, at codon 2733 of the FAT2 protein (p.Glu2733Lys). This variant is present in population databases (rs768987518, gnomAD 0.01%). This variant has not been reported in the literature in individuals affected with FAT2-related conditions. An algorithm developed to predict the effect of missense changes on protein structure and function (PolyPhen-2) suggests that this variant is likely to be disruptive. In summary, the available evidence is currently insufficient to determine the role of this variant in disease. Therefore, it has been classified as a Variant of Uncertain Significance.

NM_001447.3(FAT2):c.8197G>A (p.Glu2733Lys)

Genes: SLC36A1 (solute carrier family 36 member 1; plus strand), FAT2 (FAT atypical cadherin 2; minus strand). Cytogenetic location: 5q33.1.
Variant type: single nucleotide variant.
Coding change: c.8197G>A on transcript NM_001447.3 (MANE Select); coding-DNA position 8197, G replaced by A.
Protein change: p.Glu2733Lys; replaces glutamic acid 2733 with lysine.
Molecular consequence: missense variant.
Genome position (GRCh38, 1-based): chr5:151,542,930, C>T on the plus strand (G>A on the coding strand, the complement: FAT2 is on the minus strand). VCF-style: chr5-151542930-C-T. GRCh37 (hg19) VCF-style: chr5-150922491-C-T.
Other names: short protein forms E2733K.
Identifiers: ClinVar variation 3619485 (VCV003619485.2).